The following is an entry in ClinVar:

NM_000557.5(GDF5):c.1104C>T (p.Thr368=)

Genes: GDF5 (growth differentiation factor 5; minus strand), GDF5-AS1 (GDF5 antisense RNA 1; plus strand). Cytogenetic location: 20q11.22.
Variant type: single nucleotide variant.
Coding change: c.1104C>T on transcript NM_000557.5 (MANE Select); coding-DNA position 1104, C replaced by T.
Protein change: p.Thr368=; no amino-acid change (threonine 368 retained).
Molecular consequence: synonymous variant. On other transcripts: non-coding transcript variant (1).
Genome position (GRCh38, 1-based): chr20:35,434,311, G>A on the plus strand (C>T on the coding strand, the complement: GDF5 is on the minus strand). VCF-style: chr20-35434311-G-A. GRCh37 (hg19) VCF-style: chr20-34022109-G-A.
Other names: c.1104C>T, p.Thr368= (NM_001319138.2).
Identifiers: ClinVar variation 338317 (VCV000338317.9), dbSNP rs748907807, ClinGen allele CA9832163.

ClinVar aggregate classification (germline): Conflicting classifications of pathogenicity. Review status: criteria provided, conflicting classifications (1 of 4 stars). 7 submissions from 3 submitters: Uncertain significance (3); Likely benign (4). Last evaluated 2025-08-04.

Conditions:
Brachydactyly. Also called: Brachydactyly syndrome; Brachydactyly (disease). Identifiers: MedGen C0221357, MONDO:0021004, HP:0001156.
Multiple synostoses syndrome 2 (SYNS2). Identifiers: Orphanet 3237, MedGen C1832708, MONDO:0012394, OMIM 610017.
Grebe syndrome. Also called: ACROMESOMELIC DYSPLASIA, GREBE TYPE; GREBE DYSPLASIA; ACROMESOMELIC DYSPLASIA 2A. Identifiers: Orphanet 2098, MedGen C0265260, MONDO:0008703, OMIM 200700.
Acromesomelic dysplasia 2B. Also called: DU PAN SYNDROME. Identifiers: Orphanet 2639, MedGen C1856738, MONDO:0009231, OMIM 228900.
Acromesomelic dysplasia 2C, Hunter-Thompson type. Also called: Acromesomelic dysplasia, Hunter-Thompson type. Identifiers: Orphanet 968, MedGen C2930970, MONDO:0008717, OMIM 201250.

Allele frequency attached by ClinVar (database versions not stated): gnomAD 0.00001; TOPMed 0.00002.
gnomAD v4.1: 51 of 1,613,982 alleles (0.0032%); highest among the groups gnomAD compares: Non-Finnish European, 0.0042%; no homozygotes.

Submissions (7):

Labcorp Genetics (formerly Invitae), Labcorp
Classification: Likely benign. Last evaluated: 2025-08-04. Review status: criteria provided, single submitter. Criteria: Invitae Variant Classification Sherloc (09022015). Collection method: clinical testing. Allele origin: germline.

Blueprint Genetics
Classification: Likely benign. Last evaluated: 2024-07-04. Review status: criteria provided, single submitter. Criteria: ACMG Guidelines, 2015. Collection method: clinical testing. Allele origin: germline.

Illumina Laboratory Services, Illumina
Classification: Likely benign for Brachydactyly. Last evaluated: 2018-01-13. Review status: criteria provided, single submitter. Criteria: ICSL Variant Classification Criteria 13 December 2019. Collection method: clinical testing. Allele origin: germline.
Comment: This variant was observed in the ICSL laboratory as part of a predisposition screen in an ostensibly healthy population. It had not been previously curated by ICSL or reported in the Human Gene Mutation Database (HGMD: prior to June 1st, 2018), and was therefore a candidate for classification through an automated scoring system. Utilizing variant allele frequency, disease prevalence and penetrance estimates, and inheritance mode, an automated score was calculated to assess if this variant is too frequent to cause the disease. Based on the score and internal cut-off values, a variant classified as likely benign is not then subjected to further curation. The score for this variant resulted in a classification of likely benign for this disease.

Illumina Laboratory Services, Illumina
Classification: Uncertain significance for Grebe syndrome. Last evaluated: 2018-01-13. Review status: criteria provided, single submitter. Criteria: ICSL Variant Classification Criteria 13 December 2019. Collection method: clinical testing. Allele origin: germline.

Illumina Laboratory Services, Illumina
Classification: Likely benign for Multiple synostoses syndrome 2. Last evaluated: 2018-01-13. Review status: criteria provided, single submitter. Criteria: ICSL Variant Classification Criteria 13 December 2019. Collection method: clinical testing. Allele origin: germline.
Comment: the same text as in the submission from Illumina Laboratory Services, Illumina above.

Illumina Laboratory Services, Illumina
Classification: Uncertain significance for Fibular hypoplasia and complex brachydactyly. Last evaluated: 2018-01-13. Review status: criteria provided, single submitter. Criteria: ICSL Variant Classification Criteria 13 December 2019. Collection method: clinical testing. Allele origin: germline.

Illumina Laboratory Services, Illumina
Classification: Uncertain significance for Acromesomelic dysplasia 2C, Hunter-Thompson type. Last evaluated: 2018-01-13. Review status: criteria provided, single submitter. Criteria: ICSL Variant Classification Criteria 13 December 2019. Collection method: clinical testing. Allele origin: germline.